The following is an entry in ClinVar:

ClinVar aggregate classification (germline): Uncertain significance. Review status: criteria provided, multiple submitters, no conflicts (2 of 4 stars). 2 submissions from 2 submitters: Uncertain significance (2). Last evaluated 2022-02-04.

Conditions:
Epilepsy, progressive myoclonic, 1B. Also called: PME. Identifiers: Orphanet 308, MedGen C2676254, MONDO:0012904, OMIM 612437.

Submissions (2):

Labcorp Genetics (formerly Invitae), Labcorp
Classification: Uncertain significance for Epilepsy, progressive myoclonic, 1B. Last evaluated: 2022-02-04. Review status: criteria provided, single submitter. Criteria: Invitae Variant Classification Sherloc (09022015). Collection method: clinical testing. Allele origin: germline.
Comment: In summary, the available evidence is currently insufficient to determine the role of this variant in disease. Therefore, it has been classified as a Variant of Uncertain Significance. Algorithms developed to predict the effect of missense changes on protein structure and function are either unavailable or do not agree on the potential impact of this missense change (SIFT: "Deleterious"; PolyPhen-2: "Benign"; Align-GVGD: "Class C0"). This variant has not been reported in the literature in individuals affected with PRICKLE1-related conditions. This variant is not present in population databases (gnomAD no frequency). This sequence change replaces alanine, which is neutral and non-polar, with threonine, which is neutral and polar, at codon 492 of the PRICKLE1 protein (p.Ala492Thr).

Ambry Genetics
Classification: Uncertain significance. Last evaluated: 2017-12-06. Review status: criteria provided, single submitter. Criteria: Ambry Variant Classification Scheme 2023. Collection method: clinical testing. Allele origin: germline.
Comment: The p.A492T variant (also known as c.1474G>A), located in coding exon 6 of the PRICKLE1 gene, results from a G to A substitution at nucleotide position 1474. The alanine at codon 492 is replaced by threonine, an amino acid with similar properties. This amino acid position is well conserved in available vertebrate species. In addition, this alteration is predicted to be tolerated by in silico analysis. Since supporting evidence is limited at this time, the clinical significance of this alteration remains unclear.

NM_153026.3(PRICKLE1):c.1474G>A (p.Ala492Thr)

Gene: PRICKLE1 (prickle planar cell polarity protein 1; minus strand). Cytogenetic location: 12q12.
Variant type: single nucleotide variant.
Coding change: c.1474G>A on transcript NM_153026.3 (MANE Select); coding-DNA position 1474, G replaced by A.
Protein change: p.Ala492Thr; replaces alanine 492 with threonine.
Molecular consequence: missense variant.
Genome position (GRCh38, 1-based): chr12:42,464,560, C>T on the plus strand (G>A on the coding strand, the complement: PRICKLE1 is on the minus strand). VCF-style: chr12-42464560-C-T. GRCh37 (hg19) VCF-style: chr12-42858362-C-T.
Other names: c.1474G>A, p.Ala492Thr (NM_001144881.2, NM_001144882.2, NM_001144883.2); short protein forms A492T.
Identifiers: ClinVar variation 1431020 (VCV001431020.8), dbSNP rs2140100316, ClinGen allele CA384441610.